The following is an entry in ClinVar:

ClinVar aggregate classification (germline): Likely benign (0 of 4 stars; one submission).

Conditions:
TRIM32-related disorder. Also called: TRIM32-related condition.

Submission:

PreventionGenetics, part of Exact Sciences
Classification: Likely benign for TRIM32-related condition. Last evaluated: 2020-08-10. Review status: no assertion criteria provided. Collection method: clinical testing. Allele origin: germline.
Comment: This variant is classified as likely benign based on ACMG/AMP sequence variant interpretation guidelines (Richards et al. 2015 PMID: 25741868, with internal and published modifications).

NM_012210.4(TRIM32):c.1323G>A (p.Leu441=)

Genes: ASTN2 (astrotactin 2; minus strand), TRIM32 (tripartite motif containing 32; plus strand). Cytogenetic location: 9q33.1.
Variant type: single nucleotide variant.
Coding change: c.1323G>A on transcript NM_012210.4 (MANE Select); coding-DNA position 1323, G replaced by A.
Protein change: p.Leu441=; no amino-acid change (leucine 441 retained).
Molecular consequence: synonymous variant. On other transcripts: intron variant (3).
Genome position (GRCh38, 1-based): chr9:116,699,065, G>A. VCF-style: chr9-116699065-G-A. GRCh37 (hg19) VCF-style: chr9-119461344-G-A.
Other names: c.1323G>A, p.Leu441= (NM_001099679.2, NM_001379048.1, NM_001379049.1 and 1 more transcripts); c.2653+26706C>T (NM_014010.5); c.2794+26706C>T (NM_001365069.1); c.2806+26706C>T (NM_001365068.1).
Identifiers: ClinVar variation 3351795 (VCV003351795.1).
Genomic context (GRCh38, chr9:116,699,065, plus strand): 5'-CCTTGGGGCAGATCTACCCAACCTCACTCCTCTCTCAGTGGCAATGAACTGCCAGGGGCT[G>A]ATTGGTGTGACTGACAGCTATGATAACTCCCTCAAGGTATATACCTTGGATGGCCACTGC-3'
Protein context (NP_036342.2, residues 431-451): PLSVAMNCQG[Leu441=]IGVTDSYDNS